The following is an entry in ClinVar:

NM_080680.3(COL11A2):c.4991T>G (p.Leu1664Arg)

Gene: COL11A2 (collagen type XI alpha 2 chain; minus strand). Cytogenetic location: 6p21.32.
Variant type: single nucleotide variant.
Coding change: c.4991T>G on transcript NM_080680.3 (MANE Select); coding-DNA position 4991, T replaced by G.
Protein change: p.Leu1664Arg; replaces leucine 1664 with arginine.
Molecular consequence: missense variant.
Genome position (GRCh38, 1-based): chr6:33,164,346, A>C on the plus strand (T>G on the coding strand, the complement: COL11A2 is on the minus strand). VCF-style: chr6-33164346-A-C. GRCh37 (hg19) VCF-style: chr6-33132123-A-C.
Other names: c.4670T>G, p.Leu1557Arg (NM_080679.3); c.4733T>G, p.Leu1578Arg (NM_080681.3); short protein forms L1664R, L1578R, L1557R.
Identifiers: ClinVar variation 2003129 (VCV002003129.4), dbSNP rs935573544, ClinGen allele CA363616082.

ClinVar aggregate classification (germline): Uncertain significance (1 of 4 stars; one submission).

Submission:

Labcorp Genetics (formerly Invitae), Labcorp
Classification: Uncertain significance. Last evaluated: 2022-06-07. Review status: criteria provided, single submitter. Criteria: Invitae Variant Classification Sherloc (09022015). Collection method: clinical testing. Allele origin: germline.
Comment: This variant is not present in population databases (gnomAD no frequency). This variant has not been reported in the literature in individuals affected with COL11A2-related conditions. Advanced modeling of protein sequence and biophysical properties (such as structural, functional, and spatial information, amino acid conservation, physicochemical variation, residue mobility, and thermodynamic stability) performed at Invitae indicates that this missense variant is not expected to disrupt COL11A2 protein function. In summary, the available evidence is currently insufficient to determine the role of this variant in disease. Therefore, it has been classified as a Variant of Uncertain Significance. This sequence change replaces leucine, which is neutral and non-polar, with arginine, which is basic and polar, at codon 1664 of the COL11A2 protein (p.Leu1664Arg).